The following is an entry in ClinVar:

NM_018489.3(ASH1L):c.4024C>T (p.Arg1342Ter)

Gene: ASH1L (ASH1 like histone lysine methyltransferase; minus strand). Cytogenetic location: 1q22.
Variant type: single nucleotide variant.
Coding change: c.4024C>T on transcript NM_018489.3 (MANE Select); coding-DNA position 4024, C replaced by T.
Protein change: p.Arg1342Ter; replaces arginine 1342 with a stop codon.
Molecular consequence: nonsense.
Genome position (GRCh38, 1-based): chr1:155,478,846, G>A on the plus strand (C>T on the coding strand, the complement: ASH1L is on the minus strand). VCF-style: chr1-155478846-G-A. GRCh37 (hg19) VCF-style: chr1-155448637-G-A.
Other names: c.4024C>T, p.Arg1342Ter (NM_001366177.2); short protein forms R1342*.
Identifiers: ClinVar variation 3390586 (VCV003390586.3).

ClinVar aggregate classification (germline): Pathogenic. Review status: criteria provided, multiple submitters, no conflicts (2 of 4 stars). 3 submissions from 3 submitters: Pathogenic (3). Last evaluated 2026-08-28.

Conditions:
Intellectual developmental disorder, autosomal dominant 52. Also called: Intellectual disability, autosomal dominant 52; Mental retardation, autosomal dominant 52. Identifiers: MedGen C4540478, MONDO:0030918, OMIM 617796.
ASH1L-related disorder. Also called: ASH1L-related condition.

Submissions (3):

Institute of Medical Genetics and Applied Genomics, University Hospital Tübingen
Classification: Pathogenic for Intellectual developmental disorder, autosomal dominant 52. Last evaluated: 2026-08-28. Review status: criteria provided, single submitter. Criteria: ACMG Guidelines, 2015. Collection method: clinical testing. Allele origin: de novo. Inheritance: Autosomal dominant inheritance. Affected: yes.

PreventionGenetics, part of Exact Sciences
Classification: Pathogenic for ASH1L-related condition. Last evaluated: 2025-10-12. Review status: criteria provided, single submitter. Criteria: ACMG Guidelines, 2015. Collection method: clinical testing. Allele origin: germline.
Comment: The ASH1L c.4024C>T variant is predicted to result in premature protein termination (p.Arg1342*). This variant has been reported as de novo in an individual with seizures and moderate to severe intellectual disability (Tang et al. 2020. PubMed ID: 32469098). This variant has not been reported in a large population database (gnomAD), indicating this variant is rare. Nonsense variants in ASH1L are expected to be pathogenic. This variant is interpreted as pathogenic.

GeneDx
Classification: Pathogenic. Last evaluated: 2024-06-12. Review status: criteria provided, single submitter. Criteria: GeneDx Variant Classification Process June 2021. Collection method: clinical testing. Allele origin: germline. Affected: yes.
Comment: Nonsense variant predicted to result in protein truncation or nonsense mediated decay in a gene for which loss of function is a known mechanism of disease; Not observed at significant frequency in large population cohorts (gnomAD); This variant is associated with the following publications: (PMID: 32469098)